The following is an entry in ClinVar:

ClinVar aggregate classification (germline): Uncertain significance (1 of 4 stars; one submission).

Submission:

Labcorp Genetics (formerly Invitae), Labcorp
Classification: Uncertain significance. Last evaluated: 2025-01-29. Review status: criteria provided, single submitter. Criteria: Invitae Variant Classification Sherloc (09022015). Collection method: clinical testing. Allele origin: germline.
Comment: This sequence change falls in intron 18 of the LZTR1 gene. It does not directly change the encoded amino acid sequence of the LZTR1 protein. This variant is not present in population databases (gnomAD no frequency). This variant has not been reported in the literature in individuals affected with LZTR1-related conditions. Algorithms developed to predict the effect of sequence changes on RNA splicing suggest that this variant may disrupt the consensus splice site. In summary, the available evidence is currently insufficient to determine the role of this variant in disease. Therefore, it has been classified as a Variant of Uncertain Significance.

NM_006767.4(LZTR1):c.2220-15T>A

Gene: LZTR1 (leucine zipper like post translational regulator 1; plus strand). Cytogenetic location: 22q11.21.
Variant type: single nucleotide variant.
Coding change: c.2220-15T>A on transcript NM_006767.4 (MANE Select); 15 bases into the intron before coding-DNA position 2220, T replaced by A.
Molecular consequence: intron variant.
Genome position (GRCh38, 1-based): chr22:20,996,681, T>A. VCF-style: chr22-20996681-T-A. GRCh37 (hg19) VCF-style: chr22-21350970-T-A.
Identifiers: ClinVar variation 3657520 (VCV003657520.2).